The following is an entry in ClinVar:

NM_005751.5(AKAP9):c.11686+6_11686+7del

Gene: AKAP9 (A-kinase anchoring protein 9; plus strand). Cytogenetic location: 7q21.2.
Variant type: Microsatellite.
Coding change: c.11686+6_11686+7del on transcript NM_005751.5 (MANE Select); bases 6 to 7 of the intron after coding-DNA position 11686, 2 bases deleted (CT; older notation c.11686+6_11686+7delCT).
Molecular consequence: intron variant.
Genome position (GRCh38, 1-based): chr7:92,108,639-92,108,640, CT deleted; deleting any 2 consecutive bases within chr7:92,108,637-92,108,640 gives the same sequence; the c. name uses the placement nearest the transcript's 3' end. VCF-style (leftmost placement, unchanged base first): chr7-92108636-GCT-G. GRCh37 (hg19) VCF-style: chr7-91737950-GCT-G.
Other names: c.11662+6_11662+7del (NM_147185.3); c.6331+6_6331+7del (NM_001379277.1).
Identifiers: ClinVar variation 2012978 (VCV002012978.4), dbSNP rs2535335900, ClinGen allele CA2580615920.

ClinVar aggregate classification (germline): Uncertain significance (1 of 4 stars; one submission).

Conditions:
Long QT syndrome (LQTS). Identifiers: MedGen C0023976, MeSH D008133, MONDO:0002442. Disease mechanism: loss of function. Inheritance: Various modes of inheritance.

Submission:

Labcorp Genetics (formerly Invitae), Labcorp
Classification: Uncertain significance for Long QT syndrome. Last evaluated: 2022-07-01. Review status: criteria provided, single submitter. Criteria: Invitae Variant Classification Sherloc (09022015). Collection method: clinical testing. Allele origin: germline.
Comment: This variant has not been reported in the literature in individuals affected with AKAP9-related conditions. Variants that disrupt the consensus splice site are a relatively common cause of aberrant splicing (PMID: 17576681, 9536098). Algorithms developed to predict the effect of sequence changes on RNA splicing suggest that this variant is not likely to affect RNA splicing. In summary, the available evidence is currently insufficient to determine the role of this variant in disease. Therefore, it has been classified as a Variant of Uncertain Significance. This variant is not present in population databases (gnomAD no frequency). This sequence change falls in intron 49 of the AKAP9 gene. It does not directly change the encoded amino acid sequence of the AKAP9 protein. It affects a nucleotide within the consensus splice site.

Literature cited by the submitters: PubMed 17576681; PubMed 9536098.